The following is an entry in ClinVar:

NM_000548.5(TSC2):c.2311A>T (p.Thr771Ser)

Gene: TSC2 (TSC complex subunit 2; plus strand). Cytogenetic location: 16p13.3.
Variant type: single nucleotide variant.
Coding change: c.2311A>T on transcript NM_000548.5 (MANE Select); coding-DNA position 2311, A replaced by T.
Protein change: p.Thr771Ser; replaces threonine 771 with serine.
Molecular consequence: missense variant.
Genome position (GRCh38, 1-based): chr16:2,072,939, A>T. VCF-style: chr16-2072939-A-T. GRCh37 (hg19) VCF-style: chr16-2122940-A-T.
Other names: c.2311A>T, p.Thr771Ser (NM_001077183.3, NM_001114382.3, NM_001363528.2 and 3 more transcripts); c.2200A>T, p.Thr734Ser (NM_001318827.2); c.2164A>T, p.Thr722Ser (NM_001318829.2); c.1711A>T, p.Thr571Ser (NM_001318831.2); c.2344A>T, p.Thr782Ser (NM_001318832.2); short protein forms T771S, T571S, T722S, T782S, T734S.
Identifiers: ClinVar variation 467935 (VCV000467935.13), dbSNP rs1555506986, ClinGen allele CA394276625.

ClinVar aggregate classification (germline): Conflicting classifications of pathogenicity. Review status: criteria provided, conflicting classifications (1 of 4 stars). 3 submissions from 3 submitters: Uncertain significance (2); Benign (1). Last evaluated 2025-09-12.

Conditions:
Tuberous sclerosis 2 (TSC2). Identifiers: Orphanet 805, MedGen C1860707, MONDO:0013199, OMIM 613254.
Hereditary cancer-predisposing syndrome. Also called: Hereditary neoplastic syndrome; Neoplastic Syndromes, Hereditary; Tumor predisposition; Hereditary Cancer Syndrome. Identifiers: Orphanet 140162, MedGen C0027672, MeSH D009386, MONDO:0015356.
Tuberous sclerosis syndrome (TSC). Also called: Tuberous Sclerosis Complex; Tuberous sclerosis. Identifiers: Orphanet 805, MedGen C0041341, MONDO:0001734.

Allele frequency attached by ClinVar (database versions not stated): gnomAD exomes below 0.00001; TOPMed below 0.00001.
gnomAD v4.1: 4 of 1,613,632 alleles (0.00025%); highest among the groups gnomAD compares: Non-Finnish European, 0.00034%; no homozygotes.

Submissions (3):

Ambry Genetics
Classification: Uncertain significance for Hereditary cancer-predisposing syndrome. Last evaluated: 2025-09-12. Review status: criteria provided, single submitter. Criteria: Ambry Variant Classification Scheme 2023. Collection method: clinical testing. Allele origin: germline.
Comment: The p.T771S variant (also known as c.2311A>T), located in coding exon 20 of the TSC2 gene, results from an A to T substitution at nucleotide position 2311. The threonine at codon 771 is replaced by serine, an amino acid with similar properties. This variant has been detected in multiple individuals with no reported features of Tuberous sclerosis complex (Ambry internal data). This amino acid position is highly conserved in available vertebrate species. In addition, this alteration is predicted to be deleterious by in silico analysis. Based on the available evidence, the clinical significance of this variant remains unclear.

Labcorp Genetics (formerly Invitae), Labcorp
Classification: Benign for Tuberous sclerosis 2. Last evaluated: 2025-08-18. Review status: criteria provided, single submitter. Criteria: Invitae Variant Classification Sherloc (09022015). Collection method: clinical testing. Allele origin: germline.

Color Diagnostics, LLC DBA Color Health
Classification: Uncertain significance for Tuberous sclerosis syndrome. Last evaluated: 2025-07-03. Review status: criteria provided, single submitter. Criteria: ACMG Guidelines, 2015. Collection method: clinical testing. Allele origin: germline.
Comment: This missense variant replaces threonine with serine at codon 771 of the TSC2 protein. Computational prediction is inconclusive regarding the impact of this variant on protein structure and function. To our knowledge, functional studies have not been reported for this variant. This variant has not been reported in individuals affected with TSC2-related disorders in the literature. This variant has not been identified in the general population by the Genome Aggregation Database (gnomAD). The available evidence is insufficient to determine the role of this variant in disease conclusively. Therefore, this variant is classified as a Variant of Uncertain Significance.